The following is an entry in ClinVar:

ClinVar aggregate classification (germline): Conflicting classifications of pathogenicity. Review status: criteria provided, conflicting classifications (1 of 4 stars). 5 submissions from 5 submitters: Uncertain significance (2); Likely benign (1). 2 of the submissions do not count toward it. Last evaluated 2023-12-08.

Conditions:
X-linked Alport syndrome (ATS1). Also called: NEPHROPATHY AND DEAFNESS, X-LINKED; COL4A5-Related Nephropathy. Identifiers: Orphanet 63, Orphanet 88917, MedGen C4746986, MONDO:0010520, OMIM 301050.
COL4A5-related disorder. Also called: COL4A5-related condition.

Submissions (5):

Women's Health and Genetics/Laboratory Corporation of America, LabCorp
Classification: Uncertain significance. Last evaluated: 2023-12-08. Review status: criteria provided, single submitter. Criteria: LabCorp Variant Classification Summary - May 2015. Collection method: clinical testing. Allele origin: germline.
Comment: Variant summary: COL4A5 c.-25_-8dup18 is located in the untranslated mRNA region upstream of the initiation codon. The variant allele was found at a frequency of 0.00018 in 173882 control chromosomes. This frequency is not significantly higher than estimated for a pathogenic variant in COL4A5 causing Alport Syndrome 1, X-Linked Recessive (0.00018 vs 0.0046), allowing no conclusion about variant significance. To our knowledge, no occurrence of c.-25_-8dup18 in individuals affected with Alport Syndrome 1, X-Linked Recessive and no experimental evidence demonstrating its impact on protein function have been reported. Three submitters have cited clinical-significance assessments for this variant to ClinVar after 2014. Two submitters classified the variant as VUS while one classified as likely benign. Based on the evidence outlined above, the variant was classified as uncertain significance.

CeGaT Center for Human Genetics Tuebingen
Classification: Likely benign. Last evaluated: 2022-09-01. Review status: criteria provided, single submitter. Criteria: CeGaT Center For Human Genetics Tuebingen Variant Classification Criteria Version 2. Collection method: clinical testing. Allele origin: germline. Affected: yes. Observed: 1 variant allele.
Comment: COL4A5: BS2

GeneDx
Classification: Uncertain significance. Last evaluated: 2017-08-01. Review status: criteria provided, single submitter. Criteria: GeneDx Variant Classification (06012015). Collection method: clinical testing. Allele origin: germline. Affected: yes.
Comment: It has not been published as a pathogenic variant, nor has it been reported as a benign variant to our knowledge. The variant is not observed in large population cohorts (Lek et al., 2016; 1000 Genomes Consortium et al., 2015; Exome Variant Server). This regulatory duplication affects both nonconserved nucleotides and nucleotides conserved through mammals. No regulatory variants have been reported in the Human Gene Mutation Database or observed at GeneDx (Stenson et al., 2014). Therefore, based on the currently available information, it is unclear whether this variant is a pathogenic variant or a rare benign variant.

Natera, Inc.
Classification: Uncertain significance for X-linked Alport syndrome. Last evaluated: 2020-09-16. Review status: no assertion criteria provided. Collection method: clinical testing. Allele origin: germline. Not counted in ClinVar's aggregate classification.

PreventionGenetics, part of Exact Sciences
Classification: Likely benign for COL4A5-related condition. Last evaluated: 2020-07-03. Review status: no assertion criteria provided. Collection method: clinical testing. Allele origin: germline. Not counted in ClinVar's aggregate classification.
Comment: This variant is classified as likely benign based on ACMG/AMP sequence variant interpretation guidelines (Richards et al. 2015 PMID: 25741868, with internal and published modifications).

NM_033380.3(COL4A5):c.-25_-8dup

Gene: COL4A5 (collagen type IV alpha 5 chain; plus strand). Cytogenetic location: Xq22.3.
Variant type: Duplication.
Coding change: c.-25_-8dup on transcript NM_033380.3 (MANE Select); 25 bases upstream of the start codon through 8 bases upstream of the start codon, 18 bases duplicated (AAGGAGCTGCGGGAGCCG).
Molecular consequence: 5 prime UTR variant.
Genome position (GRCh38, 1-based): chrX:108,440,101-108,440,118, AAGGAGCTGCGGGAGCCG duplicated; duplicating any 18 consecutive bases within chrX:108,440,100-108,440,118 gives the same sequence; the c. name uses the placement nearest the transcript's 3' end. VCF-style (leftmost placement, unchanged base first): chrX-108440099-T-TGAAGGAGCTGCGGGAGCC. GRCh37 (hg19) VCF-style: chrX-107683329-T-TGAAGGAGCTGCGGGAGCC.
Other names: c.-25_-8dupAAGGAGCTGCGGGAGCCG (NM_000495.5, NM_033380.1); c.-25_-8dup18 (NM_000495.5); c.-25_-8dup (NM_000495.5).
Identifiers: ClinVar variation 451163 (VCV000451163.30), dbSNP rs752443408, ClinGen allele CA10488333.